The following is an entry in ClinVar:

NM_000044.6(AR):c.3G>A (p.Met1Ile)

Gene: AR (androgen receptor; plus strand). Cytogenetic location: Xq12.
Variant type: single nucleotide variant.
Coding change: c.3G>A on transcript NM_000044.6 (MANE Select); coding-DNA position 3, G replaced by A.
Protein change: p.Met1Ile; changes the start codon (methionine 1).
Molecular consequence: missense variant, initiator codon variant. On other transcripts: 5 prime UTR variant (1).
Genome position (GRCh38, 1-based): chrX:67,545,149, G>A. VCF-style: chrX-67545149-G-A. GRCh37 (hg19) VCF-style: chrX-66764991-G-A.
Other names: c.-1781G>A (NM_001011645.3); c.3G>A, p.Met1Ile (NM_001348061.1, NM_001348063.1, NM_001348064.1); short protein forms M1I.
Identifiers: ClinVar variation 3336686 (VCV003336686.1).
Genomic context (GRCh38, chrX:67,545,149, plus strand): 5'-GCAAGAGAAGGGGAGGCGGGGTAAGGGAAGTAGGTGGAAGATTCAGCCAAGCTCAAGGAT[G>A]GAAGTGCAGTTAGGGCTGGGAAGGGTCTACCCTCGGCCGCCGTCCAAGACCTACCGAGGA-3'
Protein context (NP_000035.2, residues 1-11): [Met1Ile]EVQLGLGRVY

ClinVar aggregate classification (germline): Pathogenic (1 of 4 stars; one submission).

Conditions:
Androgen resistance syndrome (AIS). Also called: ANDROGEN RECEPTOR DEFICIENCY; DIHYDROTESTOSTERONE RECEPTOR DEFICIENCY; TESTICULAR FEMINIZATION SYNDROME; Androgen insensitivity syndrome; Androgen insensitivity, complete; Androgen insensitivity syndrome due to coactivator deficiency. Identifiers: Orphanet 754, Orphanet 99429, MedGen C0039585, MONDO:0019154, OMIM 300068. Disease mechanism: loss of function.

Submission:

Genetics Department, Polish Mother's Memorial Hospital Research Institute
Classification: Pathogenic for Androgen resistance syndrome. Last evaluated: 2024-07-04. Review status: criteria provided, single submitter. Criteria: ACMG Guidelines, 2015. Collection method: research. Allele origin: germline. Affected: yes.
Comment: The detected NM_000044.6:c.3G>A p.(Met1?) variant causes a start lost change. The variant was absent in control chromosomes in populational databases. The in-silico tools predicted a pathogenic outcome for this variant. No clinical diagnostic laboratories have submitted clinical-significance assessments for this variant to ClinVar or the other databases. Another start-lose variant was described as pathogenic in ClinVar. The variant was classified as pathogenic with 11 ACMG points (criteria: PVS1_strong, PS1, PM2, PP4).